The following is an entry in ClinVar:

ClinVar aggregate classification (germline): Benign/Likely benign. Review status: criteria provided, multiple submitters, no conflicts (2 of 4 stars). 12 submissions from 11 submitters: Benign (10); Likely benign (1). 1 of the submissions does not count toward it. Last evaluated 2026-04-02.

Conditions:
Retinal dystrophy. Also called: Inherited retinal dystrophy. Identifiers: Orphanet 71862, MedGen C0854723, MeSH D058499, MONDO:0019118, HP:0000556.
Retinitis pigmentosa 39 (RP39). Identifiers: Orphanet 791, MedGen C3151138, MONDO:0013436, OMIM 613809.
Usher syndrome type 2A. Also called: RETINAL DISEASE IN USHER SYNDROME TYPE IIA, MODIFIER OF; USHER SYNDROME, TYPE IIA. Identifiers: Orphanet 231178, Orphanet 886, MedGen C1848634, MONDO:0010169, OMIM 276901.

Allele frequency attached by ClinVar (database versions not stated): gnomAD 0.00354 and 0.00593; TOPMed 0.00431; gnomAD exomes 0.01153 and 0.00869; 1000 Genomes Project 0.02236; 1000 Genomes Project 30x 0.02124; ExAC 0.01224; ESP Exome Variant Server 0.00269.
gnomAD v4.1: 13,580 of 1,614,022 alleles (0.84%); highest among the groups gnomAD compares: South Asian, 6%; 313 homozygotes.

Submissions (12):

Women's Health and Genetics/Laboratory Corporation of America, LabCorp
Classification: Likely benign. Last evaluated: 2026-04-02. Review status: criteria provided, single submitter. Criteria: LabCorp Variant Classification Summary - May 2015. Collection method: clinical testing. Allele origin: germline.

Labcorp Genetics (formerly Invitae), Labcorp
Classification: Benign. Last evaluated: 2026-02-04. Review status: criteria provided, single submitter. Criteria: Invitae Variant Classification Sherloc (09022015). Collection method: clinical testing. Allele origin: germline.

Genome-Nilou Lab
Classification: Benign for Retinitis pigmentosa 39. Last evaluated: 2023-11-04. Review status: criteria provided, single submitter. Criteria: ACMG Guidelines, 2015. Collection method: clinical testing. Allele origin: germline. Affected: no.

Genome-Nilou Lab
Classification: Benign for Usher syndrome type 2A. Last evaluated: 2023-11-04. Review status: criteria provided, single submitter. Criteria: ACMG Guidelines, 2015. Collection method: clinical testing. Allele origin: germline. Affected: no.

Dept Of Ophthalmology, Nagoya University
Classification: Benign for Retinal dystrophy. Last evaluated: 2023-10-01. Review status: criteria provided, single submitter. Criteria: Submitter's publication. Collection method: research. Allele origin: germline. Affected: yes.

Fulgent Genetics
Classification: Benign for Usher syndrome type 2A; Retinitis pigmentosa 39. Last evaluated: 2021-08-20. Review status: criteria provided, single submitter. Criteria: ACMG Guidelines, 2015. Collection method: clinical testing. Allele origin: unknown.

ARUP Laboratories, Molecular Genetics and Genomics, ARUP Laboratories
Classification: Benign. Last evaluated: 2020-01-16. Review status: criteria provided, single submitter. Criteria: ARUP Molecular Germline Variant Investigation Process. Collection method: clinical testing. Allele origin: germline.

Eurofins Ntd Llc (ga)
Classification: Benign. Last evaluated: 2016-08-02. Review status: criteria provided, single submitter. Criteria: EGL Classification Definitions 2015. Collection method: clinical testing. Allele origin: germline. Observed: 4 variant alleles, 3 heterozygotes.

GeneDx
Classification: Benign. Last evaluated: 2011-07-05. Review status: criteria provided, single submitter. Criteria: GeneDx Variant Classification (06012015). Collection method: clinical testing. Allele origin: germline. Affected: yes.
Comment: This variant is considered likely benign or benign based on one or more of the following criteria: it is a conservative change, it occurs at a poorly conserved position in the protein, it is predicted to be benign by multiple in silico algorithms, and/or has population frequency not consistent with disease.

Laboratory for Molecular Medicine, Mass General Brigham Personalized Medicine
Classification: Benign. Last evaluated: 2010-05-19. Review status: criteria provided, single submitter. Criteria: LMM Criteria. Collection method: clinical testing. Allele origin: germline. Observed: 32 variant alleles.

Breakthrough Genomics
Classification: Benign. Review status: criteria provided, single submitter. Criteria: ACMG Guidelines, 2015. Collection method: not provided. Allele origin: germline. Inheritance: Autosomal recessive inheritance. Affected: yes.

Natera, Inc.
Classification: Benign for Usher syndrome type 2A. Last evaluated: 2020-09-16. Review status: no assertion criteria provided. Collection method: clinical testing. Allele origin: germline. Not counted in ClinVar's aggregate classification.

Literature cited by the submitters: PubMed 19737284 (cited by Laboratory for Molecular Medicine, Mass General Brigham Personalized Medicine).

NM_206933.4(USH2A):c.14543G>A (p.Arg4848Gln)

Gene: USH2A (usherin; minus strand). Cytogenetic location: 1q41.
Variant type: single nucleotide variant.
Coding change: c.14543G>A on transcript NM_206933.4 (MANE Select); coding-DNA position 14543, G replaced by A.
Protein change: p.Arg4848Gln; replaces arginine 4848 with glutamine.
Molecular consequence: missense variant.
Genome position (GRCh38, 1-based): chr1:215,648,567, C>T on the plus strand (G>A on the coding strand, the complement: USH2A is on the minus strand). VCF-style: chr1-215648567-C-T. GRCh37 (hg19) VCF-style: chr1-215821909-C-T.
Other names: p.R4848Q:CGG>CAG; short protein forms R4848Q.
Identifiers: ClinVar variation 48444 (VCV000048444.31), dbSNP rs77211159, ClinGen allele CA143364.